The following is an entry in ClinVar:

ClinVar aggregate classification (germline): Conflicting classifications of pathogenicity. Review status: criteria provided, conflicting classifications (1 of 4 stars). 11 submissions from 11 submitters: Pathogenic (1); Likely pathogenic (6); Uncertain significance (1). 3 of the submissions do not count toward it. Last evaluated 2025-11-26.

Conditions:
Autosomal recessive ataxia due to ubiquinone deficiency. Also called: Coenzyme Q10 deficiency, primary, 4; SPINOCEREBELLAR ATAXIA, AUTOSOMAL RECESSIVE 9. Identifiers: Orphanet 139485, MedGen C2677589, MONDO:0012784, OMIM 612016.
Abnormality of the nervous system. Also called: Congenital nervous system disorder. Identifiers: MedGen C0497552, MONDO:0002320, HP:0000707.

Allele frequency attached by ClinVar (database versions not stated): gnomAD 0.00002; gnomAD exomes 0.00002 and 0.00003; ExAC 0.00001.
gnomAD v4.1: 48 of 1,613,442 alleles (0.003%); highest among the groups gnomAD compares: Non-Finnish European, 0.0038%; no homozygotes.

Submissions (11):

Variantyx, Inc.
Classification: Likely pathogenic for Autosomal recessive ataxia due to ubiquinone deficiency. Last evaluated: 2025-11-26. Review status: criteria provided, single submitter. Criteria: Variantyx Assertion Criteria 2022. Collection method: clinical testing. Allele origin: germline. Inheritance: Autosomal recessive inheritance.
Comment: This is a nonsynonymous variant in the COQ8A gene (OMIM: 606980). Pathogenic variants in this gene have been associated with autosomal recessive primary coenzyme Q10 deficiency 4. This variant has been identified in the homozygous or compound heterozygous state in at least three individual(s) reported in the published literature (PMID: 18319072, 29915382, 27142713) (PM3). Functional studies have shown that this variant alters COQ8A protein function (PMID: 18319072) (PS3_Moderate). Multiple computational algorithms predict a deleterious effect for this variant (REVEL score: 0.709) (PP3). This variant has a 0.0038% maximum allele frequency in non-founder control populations (PM2). Based on the current evidence, this variant is classified as likely pathogenic for autosomal recessive primary coenzyme Q10 deficiency 4.No other variant of clinical significance was identified in the COQ8A gene. A single pathogenic variant in a gene associated with autosomal recessive disease is generally insufficient to cause disease. Therefore, this finding likely represents carrier status.

Department of Pathology and Laboratory Medicine, Sinai Health System
Classification: Likely pathogenic for Autosomal recessive ataxia due to ubiquinone deficiency. Last evaluated: 2023-09-08. Review status: criteria provided, single submitter. Criteria: ACMG Guidelines, 2015. Collection method: research. Allele origin: germline.

Revvity Omics, Revvity
Classification: Likely pathogenic for Autosomal recessive ataxia due to ubiquinone deficiency. Last evaluated: 2023-02-09. Review status: criteria provided, single submitter. Criteria: ACMG Guidelines, 2015. Collection method: clinical testing. Allele origin: germline.

CeGaT Center for Human Genetics Tuebingen
Classification: Uncertain significance. Last evaluated: 2023-01-01. Review status: criteria provided, single submitter. Criteria: CeGaT Center For Human Genetics Tuebingen Variant Classification Criteria Version 2. Collection method: clinical testing. Allele origin: germline. Affected: yes. Observed: 1 variant allele.
Comment: COQ8A: PM2, PP3

Labcorp Genetics (formerly Invitae), Labcorp
Classification: Likely pathogenic. Last evaluated: 2022-06-30. Review status: criteria provided, single submitter. Criteria: Invitae Variant Classification Sherloc (09022015). Collection method: clinical testing. Allele origin: germline.
Comment: Advanced modeling of protein sequence and biophysical properties (such as structural, functional, and spatial information, amino acid conservation, physicochemical variation, residue mobility, and thermodynamic stability) performed at Invitae indicates that this missense variant is expected to disrupt COQ8A protein function. In summary, the currently available evidence indicates that the variant is pathogenic, but additional data are needed to prove that conclusively. Therefore, this variant has been classified as Likely Pathogenic. Experimental studies have shown that this missense change affects COQ8A function (PMID: 18319072). ClinVar contains an entry for this variant (Variation ID: 3636). This gene is also known as CABC1 and ADCK3. This missense change has been observed in individuals with clinical features of COQ8A-related conditions (PMID: 18319072, 27142713, 29915382). This variant is present in population databases (rs119468004, gnomAD 0.003%). This sequence change replaces glutamic acid, which is acidic and polar, with lysine, which is basic and polar, at codon 551 of the COQ8A protein (p.Glu551Lys).

Kariminejad - Najmabadi Pathology & Genetics Center
Classification: Likely pathogenic for Abnormality of the nervous system. Last evaluated: 2021-07-10. Review status: criteria provided, single submitter. Criteria: ACMG Guidelines, 2015. Collection method: clinical testing. Allele origin: germline. Affected: yes.

Centre for Mendelian Genomics, University Medical Centre Ljubljana
Classification: Likely pathogenic. Last evaluated: 2019-01-09. Review status: criteria provided, single submitter. Criteria: ACMG Guidelines, 2015. Collection method: clinical testing. Allele origin: unknown. Affected: yes.
Comment: This variant was classified as: Likely pathogenic. The following ACMG criteria were applied in classifying this variant: PS1,PM2,PP3.

Genetic Services Laboratory, University of Chicago
Classification: Pathogenic for Coenzyme Q10 deficiency, primary, 4. Last evaluated: 2016-10-11. Review status: criteria provided, single submitter. Criteria: ACMG Guidelines, 2015. Collection method: clinical testing. Allele origin: germline. Affected: yes.

Solve-RD Consortium
Classification: Likely pathogenic for Autosomal recessive ataxia due to ubiquinone deficiency. Last evaluated: 2022-06-01. Review status: no assertion criteria provided. Collection method: provider interpretation. Allele origin: inherited. Affected: yes. Not counted in ClinVar's aggregate classification.
Comment: Variant confirmed as disease-causing by referring clinical team

Variant identified during reanalysis of unsolved cases by the Solve-RD project. The Solve-RD project has received funding from the European Union’s Horizon 2020 research and innovation programme under grant agreement No 779257.

OMIM
Classification: Pathogenic for COENZYME Q10 DEFICIENCY, PRIMARY, 4. Last evaluated: 2008-03-01. Review status: no assertion criteria provided. Collection method: literature only. Allele origin: germline. Not counted in ClinVar's aggregate classification.

GeneReviews
No classification provided. Condition: Autosomal recessive ataxia due to ubiquinone deficiency. Review status: no classification provided. Collection method: literature only. Allele origin: germline. Not counted in ClinVar's aggregate classification.

Literature cited by the submitters: PubMed 18319072 (cited by 3 submitters); PubMed 29915382 (cited by Variantyx, Inc. and Labcorp Genetics (formerly Invitae), Labcorp); PubMed 27142713 (cited by Variantyx, Inc. and Labcorp Genetics (formerly Invitae), Labcorp); PubMed 39825153 (cited by Solve-RD Consortium); NCBI Bookshelf NBK410087 (cited by GeneReviews).

NM_020247.5(COQ8A):c.1651G>A (p.Glu551Lys)

Gene: COQ8A (coenzyme Q8A; plus strand). Cytogenetic location: 1q42.13.
Variant type: single nucleotide variant.
Coding change: c.1651G>A on transcript NM_020247.5 (MANE Select); coding-DNA position 1651, G replaced by A.
Protein change: p.Glu551Lys; replaces glutamic acid 551 with lysine.
Molecular consequence: missense variant.
Genome position (GRCh38, 1-based): chr1:226,985,332, G>A. VCF-style: chr1-226985332-G-A. GRCh37 (hg19) VCF-style: chr1-227173033-G-A.
Other names: 1655G>A; short protein forms E551K.
Identifiers: ClinVar variation 3636 (VCV000003636.63), dbSNP rs119468004, ClinGen allele CA116399.
Genomic context (GRCh38, chr1:226,985,332, plus strand): 5'-GACAGGGACAGGGAGACTGTGCGGGCGAAATCCATAGAGATGAAGTTCCTCACCGGCTAC[G>A]AGGTCAAGGTGAGCAGGGTTGCGGGGGATCCCCTGGGCCTGCTGACCCAGGGCCCGGCTC-3'
Protein context (NP_064632.2, residues 541-561): SIEMKFLTGY[Glu551Lys]VKVMEDAHLD